The following is an entry in ClinVar:

NM_000388.4(CASR):c.488C>G (p.Pro163Arg)

Gene: CASR (calcium sensing receptor; plus strand). Cytogenetic location: 3q21.1.
Variant type: single nucleotide variant.
Coding change: c.488C>G on transcript NM_000388.4 (MANE Select); coding-DNA position 488, C replaced by G.
Protein change: p.Pro163Arg; replaces proline 163 with arginine.
Molecular consequence: missense variant.
Genome position (GRCh38, 1-based): chr3:122,257,383, C>G. VCF-style: chr3-122257383-C-G. GRCh37 (hg19) VCF-style: chr3-121976230-C-G.
Other names: p.Pro163Arg; c.488C>G, p.Pro163Arg (NM_001178065.2); short protein forms P163R.
Identifiers: ClinVar variation 2684152 (VCV002684152.8), dbSNP rs2107627915, ClinGen allele CA354362998.

ClinVar aggregate classification (germline): Conflicting classifications of pathogenicity. Review status: criteria provided, conflicting classifications (1 of 4 stars). 6 submissions from 6 submitters: Likely pathogenic (4); Uncertain significance (1). 1 of the submissions does not count toward it. Last evaluated 2026-10-07.

Conditions:
Familial hypocalciuric hypercalcemia 1. Also called: Hypercalcemia, familial benign type 1. Identifiers: Orphanet 405, Orphanet 93372, MedGen C0342637, MONDO:0007791, OMIM 145980.
CASR-related disorder. Also called: CASR-related condition.
Familial hyperparathyroidism or Hypocalciuric hypercalcaemia.

Allele frequency attached by ClinVar (database versions not stated): gnomAD exomes below 0.00001.
gnomAD v4.1: 1 of 1,613,086 alleles (0.000062%); highest among the groups gnomAD compares: Non-Finnish European, 0.000085%; no homozygotes.

Submissions (6):

Cambridge Genomics Laboratory, East Genomic Laboratory Hub, NHS Genomic Medicine Service
Classification: Likely pathogenic for Familial hyperparathyroidism or Hypocalciuric hypercalcaemia. Last evaluated: 2026-10-07. Review status: criteria provided, single submitter. Criteria: ACGS Best Practice Guidelines for Variant Classification in Rare Disease 2020. Collection method: clinical testing. Allele origin: germline. Affected: yes.

Athena Diagnostics
Classification: Uncertain significance. Last evaluated: 2025-03-13. Review status: criteria provided, single submitter. Criteria: Athena Diagnostics Criteria. Collection method: clinical testing. Allele origin: unknown.
Comment: Available data are insufficient to determine the clinical significance of the variant at this time. This variant has not been reported in large, multi-ethnic general populations. This variant has been identified in at least one individual with clinical features associated with hypocalciuric hypercalcemia or tropical chronic pancreatitis (TCP). Polyphen and MutationTaster predict this amino acid change may be damaging to the protein.

Clinical Genetics Laboratory, Region Ostergotland
Classification: Likely pathogenic for Familial hypocalciuric hypercalcemia 1. Last evaluated: 2024-11-06. Review status: criteria provided, single submitter. Criteria: ACMG Guidelines, 2015. Collection method: clinical testing. Allele origin: de novo. Affected: yes.
Comment: The following ACMG criteria were applied in classifying this variant: PM2, PP3_Strong, PP2, PM6

Mayo Clinic Laboratories, Mayo Clinic
Classification: Likely pathogenic. Last evaluated: 2024-01-17. Review status: criteria provided, single submitter. Criteria: ACMG Guidelines, 2015. Collection method: clinical testing. Allele origin: germline. Observed: 1 variant allele.
Comment: PP1, PP2, PP3, PM1, PM2

Blueprint Genetics
Classification: Likely pathogenic for CASR-related disorders. Last evaluated: 2023-08-21. Review status: criteria provided, single submitter. Criteria: ACMG Guidelines, 2015. Collection method: clinical testing. Allele origin: germline. Affected: yes. Observed: 4 variant alleles.

Cardiovascular Genetics Laboratory, PathWest Laboratory Medicine WA - Fiona Stanley Hospital
Classification: Likely pathogenic for Familial hypocalciuric hypercalcemia 1. Last evaluated: 2025-08-20. Review status: no assertion criteria provided. Criteria: ACMG Guidelines, 2015. Collection method: clinical testing. Allele origin: germline. Affected: yes. Not counted in ClinVar's aggregate classification.

Literature cited by the submitters: PubMed 36275616 (cited by Athena Diagnostics); PubMed 35869530 (cited by Athena Diagnostics and Mayo Clinic Laboratories, Mayo Clinic); PubMed 19696993 (cited by Athena Diagnostics); PubMed 18938753 (cited by Athena Diagnostics and Mayo Clinic Laboratories, Mayo Clinic).